The following is an entry in ClinVar:

NM_002742.3(PRKD1):c.647G>A (p.Arg216His)

Gene: PRKD1 (protein kinase D1; minus strand). Cytogenetic location: 14q12.
Variant type: single nucleotide variant.
Coding change: c.647G>A on transcript NM_002742.3 (MANE Select); coding-DNA position 647, G replaced by A.
Protein change: p.Arg216His; replaces arginine 216 with histidine.
Molecular consequence: missense variant.
Genome position (GRCh38, 1-based): chr14:29,663,748, C>T on the plus strand (G>A on the coding strand, the complement: PRKD1 is on the minus strand). VCF-style: chr14-29663748-C-T. GRCh37 (hg19) VCF-style: chr14-30132954-C-T.
Other names: c.647G>A, p.Arg216His (NM_001330069.2); c.359G>A, p.Arg120His (NM_001348390.1); short protein forms R216H, R120H.
Identifiers: ClinVar variation 3891297 (VCV003891297.1).
Genomic context (GRCh38, chr14:29,663,748, plus strand): 5'-GGAAGCCATACCAGAAGGGGCTCATCAGGGGCACTTGTAGAGAGTTCAGCAGATGATGTG[C>T]GGATGGTGCTGACCCCAGTGAGGGAAACGTTTGAGAGCCTTCTCCGCCTCACACCGCTGC-3'
Protein context (NP_002733.2, residues 206-226): NVSLTGVSTI[Arg216His]TSSAELSTSA

ClinVar aggregate classification (germline): Uncertain significance (1 of 4 stars; one submission).

Conditions:
Congenital heart defects and ectodermal dysplasia (CHDED). Identifiers: MedGen C4479250, MONDO:0044303, OMIM 617364.

gnomAD v4.1: 46 of 1,613,876 alleles (0.0029%); highest among the groups gnomAD compares: South Asian, 0.035%; 1 homozygote.

Submission:

Uttarilli Lab, Institute of Bioinformatics
Classification: Uncertain significance for Congenital heart defects and ectodermal dysplasia. Last evaluated: 2025-04-21. Review status: criteria provided, single submitter. Criteria: ACMG Guidelines, 2015. Collection method: research. Allele origin: maternal. Inheritance: Autosomal dominant inheritance. Affected: yes. Observed: 1 heterozygote.
Comment: The frequency of this variant in the gnomAD population database (v4.1.0) is 0.00002850. In-silico analysis showed that the variant had no impact on the protein structure. A similar variant, c.646C>G (p.Arg216His), has been associated with premature ovarian failure and classified as a variant of uncertain significance.

Literature cited by the submitters: PubMed 31042289; PubMed 41136760.